The following is an entry in ClinVar:

NM_016247.4(IMPG2):c.1409T>C (p.Met470Thr)

Gene: IMPG2 (interphotoreceptor matrix proteoglycan 2; minus strand). Cytogenetic location: 3q12.3.
Variant type: single nucleotide variant.
Coding change: c.1409T>C on transcript NM_016247.4 (MANE Select); coding-DNA position 1409, T replaced by C.
Protein change: p.Met470Thr; replaces methionine 470 with threonine.
Molecular consequence: missense variant.
Genome position (GRCh38, 1-based): chr3:101,245,936, A>G on the plus strand (T>C on the coding strand, the complement: IMPG2 is on the minus strand). VCF-style: chr3-101245936-A-G. GRCh37 (hg19) VCF-style: chr3-100964780-A-G.
Other names: short protein forms M470T.
Identifiers: ClinVar variation 1000662 (VCV001000662.8), dbSNP rs1307676457, ClinGen allele CA353862541.

ClinVar aggregate classification (germline): Uncertain significance (1 of 4 stars; one submission).

Allele frequency attached by ClinVar (database versions not stated): gnomAD exomes below 0.00001; gnomAD 0.00001; TOPMed 0.00002.
gnomAD v4.1: 5 of 1,614,056 alleles (0.00031%); highest among the groups gnomAD compares: Admixed American, 0.0017%; no homozygotes.

Submission:

Labcorp Genetics (formerly Invitae), Labcorp
Classification: Uncertain significance. Last evaluated: 2024-05-06. Review status: criteria provided, single submitter. Criteria: Invitae Variant Classification Sherloc (09022015). Collection method: clinical testing. Allele origin: germline.
Comment: This sequence change replaces methionine, which is neutral and non-polar, with threonine, which is neutral and polar, at codon 470 of the IMPG2 protein (p.Met470Thr). This variant is present in population databases (no rsID available, gnomAD 0.0009%). This variant has not been reported in the literature in individuals affected with IMPG2-related conditions. ClinVar contains an entry for this variant (Variation ID: 1000662). Advanced modeling of protein sequence and biophysical properties (such as structural, functional, and spatial information, amino acid conservation, physicochemical variation, residue mobility, and thermodynamic stability) performed at Invitae indicates that this missense variant is not expected to disrupt IMPG2 protein function with a negative predictive value of 80%. In summary, the available evidence is currently insufficient to determine the role of this variant in disease. Therefore, it has been classified as a Variant of Uncertain Significance.